The following is an entry in ClinVar:

NM_201384.3(PLEC):c.4163G>A (p.Arg1388Gln)

Gene: PLEC (plectin; minus strand). Cytogenetic location: 8q24.3.
Variant type: single nucleotide variant.
Coding change: c.4163G>A on transcript NM_201384.3 (MANE Select); coding-DNA position 4163, G replaced by A.
Protein change: p.Arg1388Gln; replaces arginine 1388 with glutamine.
Molecular consequence: missense variant.
Genome position (GRCh38, 1-based): chr8:143,925,766, C>T on the plus strand (G>A on the coding strand, the complement: PLEC is on the minus strand). VCF-style: chr8-143925766-C-T. GRCh37 (hg19) VCF-style: chr8-144999934-C-T.
Other names: c.4175G>A, p.Arg1392Gln (NM_201383.3); c.4244G>A, p.Arg1415Gln (NM_000445.5); c.4121G>A, p.Arg1374Gln (NM_201378.4); c.4097G>A, p.Arg1366Gln (NM_201379.3); c.4574G>A, p.Arg1525Gln (NM_201380.4); c.4067G>A, p.Arg1356Gln (NM_201381.3); c.4163G>A, p.Arg1388Gln (NM_201382.4); short protein forms R1356Q, R1388Q, R1374Q, R1392Q, R1366Q, R1415Q, R1525Q.
Identifiers: ClinVar variation 1034837 (VCV001034837.5), dbSNP rs782497322, ClinGen allele CA4926748.

ClinVar aggregate classification (germline): Uncertain significance (1 of 4 stars; one submission).

Conditions:
Epidermolysis bullosa simplex 5C, with pyloric atresia (EBS5C). Also called: PLEC1-Related Epidermolysis Bullosa with Pyloric Atresia; Epidermolysis bullosa simplex with pyloric atresia; PLEC-Related Epidermolysis Bullosa with Pyloric Atresia. Identifiers: Orphanet 158684, MedGen C2677349, MONDO:0012807, OMIM 612138.
Epidermolysis bullosa simplex 5B, with muscular dystrophy (EBS5B). Also called: EPIDERMOLYSIS BULLOSA SIMPLEX AND LIMB-GIRDLE MUSCULAR DYSTROPHY; Epidermolysis bullosa simplex with muscular dystrophy. Identifiers: Orphanet 257, MedGen C2931072, MONDO:0009181, OMIM 226670.
Epidermolysis bullosa simplex with nail dystrophy (EBS5D). Identifiers: MedGen C4225309, MONDO:0014661, OMIM 616487.
Epidermolysis bullosa simplex, Ogna type (EBS5A). Also called: Pidermolysis bullosa simplex 5A, Ogna type; EPIDERMOLYSIS BULLOSA SIMPLEX 5A, OGNA TYPE. Identifiers: Orphanet 79401, MedGen C0432317, MONDO:0007555, OMIM 131950.
Autosomal recessive limb-girdle muscular dystrophy type 2Q (LGMDR17). Also called: MUSCULAR DYSTROPHY, LIMB-GIRDLE, AUTOSOMAL RECESSIVE 17. Identifiers: Orphanet 254361, MedGen C3150989, MONDO:0013390, OMIM 613723.

Allele frequency attached by ClinVar (database versions not stated): TOPMed below 0.00001; ExAC 0.00006.
gnomAD v4.1: 20 of 1,591,230 alleles (0.0013%); highest among the groups gnomAD compares: African/African-American, 0.0067%; no homozygotes.

Submission:

Labcorp Genetics (formerly Invitae), Labcorp
Classification: Uncertain significance for Autosomal recessive limb-girdle muscular dystrophy type 2Q; Epidermolysis bullosa simplex, Ogna type; Epidermolysis bullosa simplex with nail dystrophy; Epidermolysis bullosa simplex 5C, with pyloric atresia; Epidermolysis bullosa simplex 5B, with muscular dystrophy. Last evaluated: 2023-11-10. Review status: criteria provided, single submitter. Criteria: Invitae Variant Classification Sherloc (09022015). Collection method: clinical testing. Allele origin: germline.
Comment: This sequence change replaces arginine, which is basic and polar, with glutamine, which is neutral and polar, at codon 1415 of the PLEC protein (p.Arg1415Gln). This variant is present in population databases (rs782497322, gnomAD 0.01%). This variant has not been reported in the literature in individuals affected with PLEC-related conditions. ClinVar contains an entry for this variant (Variation ID: 1034837). Algorithms developed to predict the effect of missense changes on protein structure and function output the following: SIFT: "Not Available"; PolyPhen-2: "Not Available"; Align-GVGD: "Not Available". The glutamine amino acid residue is found in multiple mammalian species, which suggests that this missense change does not adversely affect protein function. In summary, the available evidence is currently insufficient to determine the role of this variant in disease. Therefore, it has been classified as a Variant of Uncertain Significance.